The following is an entry in ClinVar:

NM_005359.6(SMAD4):c.877C>G (p.Pro293Ala)

Gene: SMAD4 (SMAD family member 4; plus strand). Cytogenetic location: 18q21.2.
Variant type: single nucleotide variant.
Coding change: c.877C>G on transcript NM_005359.6 (MANE Select); coding-DNA position 877, C replaced by G.
Protein change: p.Pro293Ala; replaces proline 293 with alanine.
Molecular consequence: missense variant. On other transcripts: non-coding transcript variant (2).
Genome position (GRCh38, 1-based): chr18:51,058,429, C>G. VCF-style: chr18-51058429-C-G. GRCh37 (hg19) VCF-style: chr18-48584799-C-G.
Other names: c.877C>G, p.Pro293Ala (NM_001407041.1, NM_001407042.1, NM_001407043.1); short protein forms P293A.
Identifiers: ClinVar variation 5029747 (VCV005029747.1).
Genomic context (GRCh38, chr18:51,058,429, plus strand): 5'-ACTGCACCATACACACCTAATTTGCCTCACCACCAAAACGGCCATCTTCAGCACCACCCG[C>G]CTATGCCGCCCCATCCCGGACATTACTGTAAGCTCTTGTTTTTGTTGTAAGGGCTATTTT-3'
Protein context (NP_005350.1, residues 283-303): HQNGHLQHHP[Pro293Ala]MPPHPGHYWP

ClinVar aggregate classification (germline): Uncertain significance (1 of 4 stars; one submission).

Conditions:
Familial thoracic aortic aneurysm and aortic dissection (TAAD). Also called: Thoracic aortic aneurysms and dissections. Identifiers: Orphanet 91387, MedGen C4707243, MONDO:0019625.
Hereditary cancer-predisposing syndrome. Also called: Neoplastic Syndromes, Hereditary; Tumor predisposition; Hereditary neoplastic syndrome; Hereditary Cancer Syndrome. Identifiers: Orphanet 140162, MedGen C0027672, MeSH D009386, MONDO:0015356.

Submission:

Ambry Genetics
Classification: Uncertain significance for Hereditary cancer-predisposing syndrome; Familial thoracic aortic aneurysm and aortic dissection. Last evaluated: 2026-07-07. Review status: criteria provided, single submitter. Criteria: Ambry Variant Classification Scheme 2023. Collection method: clinical testing. Allele origin: germline.
Comment: The p.P293A variant (also known as c.877C>G), located in coding exon 6 of the SMAD4 gene, results from a C to G substitution at nucleotide position 877. The proline at codon 293 is replaced by alanine, an amino acid with highly similar properties. This amino acid position is conserved. In addition, this alteration is predicted to be deleterious by in silico analysis. Based on the available evidence, the clinical significance of this variant remains unclear.